The following is an entry in ClinVar:

ClinVar aggregate classification (germline): Uncertain significance (1 of 4 stars; one submission).

Submission:

Labcorp Genetics (formerly Invitae), Labcorp
Classification: Uncertain significance. Last evaluated: 2023-05-07. Review status: criteria provided, single submitter. Criteria: Invitae Variant Classification Sherloc (09022015). Collection method: clinical testing. Allele origin: germline.
Comment: In summary, the available evidence is currently insufficient to determine the role of this variant in disease. Therefore, it has been classified as a Variant of Uncertain Significance. An algorithm developed to predict the effect of missense changes on protein structure and function (PolyPhen-2) suggests that this variant is likely to be disruptive. This variant has not been reported in the literature in individuals affected with INS-related conditions. This variant is not present in population databases (gnomAD no frequency). This sequence change replaces glutamic acid, which is acidic and polar, with valine, which is neutral and non-polar, at codon 106 of the INS protein (p.Glu106Val).

NM_000207.3(INS):c.317A>T (p.Glu106Val)

Genes: INS (insulin; minus strand), INS-IGF2 (INS-IGF2 readthrough; minus strand). Cytogenetic location: 11p15.5.
Variant type: single nucleotide variant.
Coding change: c.317A>T on transcript NM_000207.3 (MANE Select); coding-DNA position 317, A replaced by T.
Protein change: p.Glu106Val; replaces glutamic acid 106 with valine.
Molecular consequence: missense variant. On other transcripts: intron variant (1).
Genome position (GRCh38, 1-based): chr11:2,159,868, T>A on the plus strand (A>T on the coding strand, the complement: INS is on the minus strand). VCF-style: chr11-2159868-T-A. GRCh37 (hg19) VCF-style: chr11-2181098-T-A.
Other names: c.317A>T, p.Glu106Val (NM_001185097.2, NM_001185098.2, NM_001291897.2); c.187+917A>T (NM_001042376.3); short protein forms E106V.
Identifiers: ClinVar variation 2862531 (VCV002862531.3), dbSNP rs2495746341, ClinGen allele CA379120700.